The following is an entry in ClinVar:

ClinVar aggregate classification (germline): Benign/Likely benign. Review status: criteria provided, multiple submitters, no conflicts (2 of 4 stars). 2 submissions from 2 submitters: Benign (1); Likely benign (1). Last evaluated 2026-06-25.

Conditions:
SYNE2-related disorder. Also called: SYNE2-related condition.
Emery-Dreifuss muscular dystrophy 5, autosomal dominant (EDMD5). Also called: EMERY-DREIFUSS MUSCULAR DYSTROPHY 5. Identifiers: Orphanet 261, MedGen C2751805, MONDO:0013072, OMIM 612999.

Allele frequency attached by ClinVar (database versions not stated): 1000 Genomes Project 0.00040; 1000 Genomes Project 30x 0.00047; ESP Exome Variant Server 0.00077; gnomAD 0.00089 and 0.00098; TOPMed 0.00093.
gnomAD v4.1: 271 of 1,613,930 alleles (0.017%); highest among the groups gnomAD compares: African/African-American, 0.32%; 1 homozygote.

Submissions (2):

PreventionGenetics, part of Exact Sciences
Classification: Likely benign for SYNE2-related condition. Last evaluated: 2026-06-25. Review status: criteria provided, single submitter. Criteria: ACMG Guidelines, 2015. Collection method: clinical testing. Allele origin: germline.
Comment: This variant is classified as likely benign based on ACMG/AMP sequence variant interpretation guidelines (Richards et al. 2015 PMID: 25741868, with internal and published modifications).

Labcorp Genetics (formerly Invitae), Labcorp
Classification: Benign for Emery-Dreifuss muscular dystrophy 5, autosomal dominant. Last evaluated: 2025-12-23. Review status: criteria provided, single submitter. Criteria: Invitae Variant Classification Sherloc (09022015). Collection method: clinical testing. Allele origin: germline.

NM_182914.3(SYNE2):c.12459C>T (p.Asp4153=)

Gene: SYNE2 (spectrin repeat containing nuclear envelope protein 2; plus strand). Cytogenetic location: 14q23.2.
Variant type: single nucleotide variant.
Coding change: c.12459C>T on transcript NM_182914.3 (MANE Select); coding-DNA position 12459, C replaced by T.
Protein change: p.Asp4153=; no amino-acid change (aspartic acid 4153 retained).
Molecular consequence: synonymous variant.
Genome position (GRCh38, 1-based): chr14:64,102,009, C>T. VCF-style: chr14-64102009-C-T. GRCh37 (hg19) VCF-style: chr14-64568727-C-T.
Other names: c.12459C>T (NM_182914.2); c.12459C>T, p.Asp4153= (NM_015180.6).
Identifiers: ClinVar variation 1170693 (VCV001170693.11), dbSNP rs143766835, ClinGen allele CA7222149.
Genomic context (GRCh38, chr14:64,102,009, plus strand): 5'-AGAGCCATCGCCTCAGTCTTGGTCTTCACTTTGGAAGCATGACAAGGACATGGAAGAAGA[C>T]AGAGCTTCCTCATCCTCTGGAACAATTGTTCAGGTAATGCTGGGCGTATCAGCCACGCTT-3'
Protein context (NP_878918.2, residues 4143-4163): LWKHDKDMEE[Asp4153=]RASSSSGTIV